The following is an entry in ClinVar:

NM_017763.6(RNF43):c.697C>T (p.Gln233Ter)

Gene: RNF43 (ring finger protein 43; minus strand). Cytogenetic location: 17q22.
Variant type: single nucleotide variant.
Coding change: c.697C>T on transcript NM_017763.6 (MANE Select); coding-DNA position 697, C replaced by T.
Protein change: p.Gln233Ter; replaces glutamine 233 with a stop codon.
Molecular consequence: nonsense.
Genome position (GRCh38, 1-based): chr17:58,360,935, G>A on the plus strand (C>T on the coding strand, the complement: RNF43 is on the minus strand). VCF-style: chr17-58360935-G-A. GRCh37 (hg19) VCF-style: chr17-56438296-G-A.
Other names: c.697C>T, p.Gln233Ter (NM_001305544.3, NM_001438820.1, NM_001438821.1 and 1 more transcripts); c.316C>T, p.Gln106Ter (NM_001305545.2, NM_001437987.1); short protein forms Q106*, Q233*.
Identifiers: ClinVar variation 4812950 (VCV004812950.1).
Genomic context (GRCh38, chr17:58,360,935, plus strand): 5'-TGCAGCTGGCCTGGTACCTCCTGGTGGCCAGCTGGCTGATGGCCCAGGCTGTTCTCTGCT[G>A]AAGCGGATCCTGGGAAGAGGAATGGGGCTCAGATTGGGGCATGGGCTCCCCTTCCCTCCC-3'

ClinVar aggregate classification (germline): Pathogenic (1 of 4 stars; one submission).

Conditions:
Sessile serrated polyposis cancer syndrome (SSPCS). Identifiers: Orphanet 157798, MedGen C4310714, MONDO:0014919, OMIM 617108.

gnomAD v4.1: 1 of 1,579,476 alleles (0.000063%); highest among the groups gnomAD compares: Non-Finnish European, 0.000086%; no homozygotes.

Submission:

Myriad Genetics, Inc.
Classification: Pathogenic for Sessile serrated polyposis cancer syndrome. Last evaluated: 2025-12-15. Review status: criteria provided, single submitter. Criteria: Myriad Autosomal Dominant, Autosomal Recessive and X-Linked Classification Criteria (2023). Collection method: clinical testing. Allele origin: unknown.
Comment: This variant is considered pathogenic. This variant creates a termination codon and is predicted to result in premature protein truncation.